The following is an entry in ClinVar:

ClinVar aggregate classification (germline): Likely benign. Review status: criteria provided, single submitter (1 of 4 stars). 2 submissions from 2 submitters: Likely benign (1). 1 of the submissions does not count toward it. Last evaluated 2025-10-14.

Conditions:
PCNT-related disorder. Also called: PCNT-related condition.

Allele frequency attached by ClinVar (database versions not stated): ExAC 0.00002; gnomAD 0.00003; gnomAD exomes 0.00003; TOPMed 0.00003; ESP Exome Variant Server 0.00008.
gnomAD v4.1: 51 of 1,613,540 alleles (0.0032%); highest among the groups gnomAD compares: Non-Finnish European, 0.0042%; no homozygotes.

Submissions (2):

Labcorp Genetics (formerly Invitae), Labcorp
Classification: Likely benign. Last evaluated: 2025-10-14. Review status: criteria provided, single submitter. Criteria: Invitae Variant Classification Sherloc (09022015). Collection method: clinical testing. Allele origin: germline.

PreventionGenetics, part of Exact Sciences
Classification: Likely benign for PCNT-related condition. Last evaluated: 2021-09-30. Review status: no assertion criteria provided. Collection method: clinical testing. Allele origin: germline. Not counted in ClinVar's aggregate classification.
Comment: This variant is classified as likely benign based on ACMG/AMP sequence variant interpretation guidelines (Richards et al. 2015 PMID: 25741868, with internal and published modifications).

NM_006031.6(PCNT):c.7188G>A (p.Leu2396=)

Gene: PCNT (pericentrin; plus strand). Cytogenetic location: 21q22.3.
Variant type: single nucleotide variant.
Coding change: c.7188G>A on transcript NM_006031.6 (MANE Select); coding-DNA position 7188, G replaced by A.
Protein change: p.Leu2396=; no amino-acid change (leucine 2396 retained).
Molecular consequence: synonymous variant.
Genome position (GRCh38, 1-based): chr21:46,425,839, G>A. VCF-style: chr21-46425839-G-A. GRCh37 (hg19) VCF-style: chr21-47845753-G-A.
Other names: c.6834G>A, p.Leu2278= (NM_001315529.2); c.7188G>A (NM_006031.5).
Identifiers: ClinVar variation 2184365 (VCV002184365.5), dbSNP rs146476538, ClinGen allele CA10080564.
Genomic context (GRCh38, chr21:46,425,839, plus strand): 5'-TGGCTGTGTGGGGTGGCAGGCAACTCCCTTCTGACGCGCTTTCCCGCCACAGGCTTTACT[G>A]CAGATGGTGCGTGACGAGAGCCACCAGATCCTGGCGCTGTCAGAAGGCCTTGCACCCCCA-3'
Protein context (NP_006022.3, residues 2386-2406): EVRPKHVKAL[Leu2396=]QMVRDESHQI